The following is an entry in ClinVar:

NM_130384.3(ATRIP):c.443C>T (p.Ser148Leu)

Genes: ATRIP (ATR interacting protein; plus strand), ATRIP-TREX1 (ATRIP-TREX1 readthrough; plus strand). Cytogenetic location: 3p21.31.
Variant type: single nucleotide variant.
Coding change: c.443C>T on transcript NM_130384.3 (MANE Select); coding-DNA position 443, C replaced by T.
Protein change: p.Ser148Leu; replaces serine 148 with leucine.
Molecular consequence: missense variant. On other transcripts: non-coding transcript variant (1).
Genome position (GRCh38, 1-based): chr3:48,451,790, C>T. VCF-style: chr3-48451790-C-T. GRCh37 (hg19) VCF-style: chr3-48493196-C-T.
Other names: c.62C>T, p.Ser21Leu (NM_001271022.2); c.164C>T, p.Ser55Leu (NM_001271023.2); c.443C>T, p.Ser148Leu (NM_032166.4); short protein forms S148L, S55L, S21L.
Identifiers: ClinVar variation 2700216 (VCV002700216.3), dbSNP rs2529945866, ClinGen allele CA352709175.
Genomic context (GRCh38, chr3:48,451,790, plus strand): 5'-TGAAAGTAATGGAAGAAGAAGTTCTCATTAAGAATGGAGAAATTAAAATTTTGCGAGACT[C>T]ACTACATCAGACGGAATCCGTTCTAGAGGAACAGAGAAGATCACATTTTCTTCTTGAGCA-3'
Protein context (NP_569055.1, residues 138-158): KNGEIKILRD[Ser148Leu]LHQTESVLEE

ClinVar aggregate classification (germline): Uncertain significance (1 of 4 stars; one submission).

Submission:

Labcorp Genetics (formerly Invitae), Labcorp
Classification: Uncertain significance. Last evaluated: 2023-12-01. Review status: criteria provided, single submitter. Criteria: Invitae Variant Classification Sherloc (09022015). Collection method: clinical testing. Allele origin: germline.
Comment: This sequence change replaces serine, which is neutral and polar, with leucine, which is neutral and non-polar, at codon 148 of the ATRIP protein (p.Ser148Leu). This variant is not present in population databases (gnomAD no frequency). This variant has not been reported in the literature in individuals affected with ATRIP-related conditions. An algorithm developed to predict the effect of missense changes on protein structure and function (PolyPhen-2) suggests that this variant is likely to be disruptive. In summary, the available evidence is currently insufficient to determine the role of this variant in disease. Therefore, it has been classified as a Variant of Uncertain Significance.